The following is an entry in ClinVar:

NM_207037.2(TCF12):c.1595G>A (p.Ser532Asn)

Gene: TCF12 (transcription factor 12; plus strand). Cytogenetic location: 15q21.3.
Variant type: single nucleotide variant.
Coding change: c.1595G>A on transcript NM_207037.2 (MANE Select); coding-DNA position 1595, G replaced by A.
Protein change: p.Ser532Asn; replaces serine 532 with asparagine.
Molecular consequence: missense variant.
Genome position (GRCh38, 1-based): chr15:57,263,124, G>A. VCF-style: chr15-57263124-G-A. GRCh37 (hg19) VCF-style: chr15-57555322-G-A.
Other names: c.1085G>A, p.Ser362Asn (NM_001306219.3); c.815G>A, p.Ser272Asn (NM_001306220.3); c.1595G>A, p.Ser532Asn (NM_001322151.2, NM_001322152.2, NM_001322159.3 and 2 more transcripts); c.938G>A, p.Ser313Asn (NM_001322154.2); c.1421G>A, p.Ser474Asn (NM_001322156.2); c.1523G>A, p.Ser508Asn (NM_001322157.3, NM_001322165.2, NM_003205.4 and 1 more transcripts); c.1349G>A, p.Ser450Asn (NM_001322158.2); c.1592G>A, p.Ser531Asn (NM_001322161.2); and 2 more; short protein forms S272N, S313N, S338N, S362N, S450N, S474N, S508N, S520N.
Identifiers: ClinVar variation 2575564 (VCV002575564.1), dbSNP rs2551492637, ClinGen allele CA392589741.

ClinVar aggregate classification (germline): Uncertain significance (1 of 4 stars; one submission).

Allele frequency attached by ClinVar (database versions not stated): gnomAD exomes below 0.00001.
gnomAD v4.1: 1 of 1,596,256 alleles (0.000063%); highest among the groups gnomAD compares: Non-Finnish European, 0.000085%; no homozygotes.

Submission:

GeneDx
Classification: Uncertain significance. Last evaluated: 2023-02-08. Review status: criteria provided, single submitter. Criteria: GeneDx Variant Classification Process June 2021. Collection method: clinical testing. Allele origin: germline. Affected: yes.
Comment: Not observed at significant frequency in large population cohorts (gnomAD); In silico analysis supports that this missense variant does not alter protein structure/function; Has not been previously published as pathogenic or benign to our knowledge